The following is an entry in ClinVar:

ClinVar aggregate classification (germline): Benign. Review status: criteria provided, multiple submitters, no conflicts (2 of 4 stars). 3 submissions from 2 submitters: Benign (3). Last evaluated 2021-05-13.

Conditions:
Autosomal recessive nonsyndromic hearing loss 37. Identifiers: Orphanet 90636, MedGen C1843028, MONDO:0011912, OMIM 607821.
Autosomal dominant nonsyndromic hearing loss 22. Also called: Autosomal dominant nonsyndromic deafness 22; DFNA 22. Identifiers: Orphanet 228012, MedGen C2931767, MONDO:0011660, OMIM 606346.

Allele frequency attached by ClinVar (database versions not stated): 1000 Genomes Project 30x 0.09978; 1000 Genomes Project 0.10204; gnomAD exomes 0.12141; TOPMed 0.12772; gnomAD 0.12968 and 0.13207.
gnomAD v4.1: 21,821 of 169,082 alleles (13%); highest among the groups gnomAD compares: Non-Finnish European, 15%; 1,508 homozygotes.

Submissions (3):

GeneDx
Classification: Benign. Last evaluated: 2021-05-13. Review status: criteria provided, single submitter. Criteria: GeneDx Variant Classification Process June 2021. Collection method: clinical testing. Allele origin: germline. Affected: yes.

Illumina Laboratory Services, Illumina
Classification: Benign for Autosomal dominant nonsyndromic hearing loss 22. Last evaluated: 2018-01-12. Review status: criteria provided, single submitter. Criteria: ICSL Variant Classification Criteria 13 December 2019. Collection method: clinical testing. Allele origin: germline.
Comment: This variant was observed in the ICSL laboratory as part of a predisposition screen in an ostensibly healthy population. It had not been previously curated by ICSL or reported in the Human Gene Mutation Database (HGMD: prior to June 1st, 2018), and was therefore a candidate for classification through an automated scoring system. Utilizing variant allele frequency, disease prevalence and penetrance estimates, and inheritance mode, an automated score was calculated to assess if this variant is too frequent to cause the disease. Based on the score and internal cut-off values, a variant classified as benign is not then subjected to further curation. The score for this variant resulted in a classification of benign for this disease.

Illumina Laboratory Services, Illumina
Classification: Benign for Autosomal recessive nonsyndromic hearing loss 37. Last evaluated: 2018-01-12. Review status: criteria provided, single submitter. Criteria: ICSL Variant Classification Criteria 13 December 2019. Collection method: clinical testing. Allele origin: germline.
Comment: the same text as in the submission from Illumina Laboratory Services, Illumina above.

NM_004999.4(MYO6):c.*459A>G

Gene: MYO6 (myosin VI; plus strand). Cytogenetic location: 6q14.1.
Variant type: single nucleotide variant.
Coding change: c.*459A>G on transcript NM_004999.4 (MANE Select); 459 bases downstream of the stop codon, A replaced by G.
Molecular consequence: 3 prime UTR variant. On other transcripts: non-coding transcript variant (1).
Genome position (GRCh38, 1-based): chr6:75,915,471, A>G. VCF-style: chr6-75915471-A-G. GRCh37 (hg19) VCF-style: chr6-76625188-A-G.
Other names: c.*459A>G (NM_001300899.2, NM_001368136.1, NM_001368137.1 and 3 more transcripts).
Identifiers: ClinVar variation 358005 (VCV000358005.8), dbSNP rs1045758, ClinGen allele CA10627598.